The following is an entry in ClinVar:

NM_001142864.4(PIEZO1):c.3042G>A (p.Leu1014=)

Genes: HSALR1 (HSP90AB1 associated lncRNA 1; plus strand), PIEZO1 (piezo type mechanosensitive ion channel component 1 (Er blood group); minus strand). Cytogenetic location: 16q24.3.
Variant type: single nucleotide variant.
Coding change: c.3042G>A on transcript NM_001142864.4 (MANE Select); coding-DNA position 3042, G replaced by A.
Protein change: p.Leu1014=; no amino-acid change (leucine 1014 retained).
Molecular consequence: synonymous variant.
Genome position (GRCh38, 1-based): chr16:88,731,860, C>T on the plus strand (G>A on the coding strand, the complement: PIEZO1 is on the minus strand). VCF-style: chr16-88731860-C-T. GRCh37 (hg19) VCF-style: chr16-88798268-C-T.
Other names: p.Leu1014=.
Identifiers: ClinVar variation 755134 (VCV000755134.4), dbSNP rs777818544, ClinGen allele CA8232576.

ClinVar aggregate classification (germline): Likely benign. Review status: criteria provided, multiple submitters, no conflicts (2 of 4 stars). 2 submissions from 2 submitters: Likely benign (2). Last evaluated 2025-07-02.

Allele frequency attached by ClinVar (database versions not stated): ExAC 0.00005; TOPMed 0.00001; gnomAD 0.00014.
gnomAD v4.1: 16 of 1,056,208 alleles (0.0015%); highest among the groups gnomAD compares: Middle Eastern, 0.025%; no homozygotes.

Submissions (2):

Mayo Clinic Laboratories, Mayo Clinic
Classification: Likely benign. Last evaluated: 2025-07-02. Review status: criteria provided, single submitter. Criteria: ACMG Guidelines, 2015. Collection method: clinical testing. Allele origin: germline. Observed: 1 variant allele.
Comment: BP4, BP7, PM2_supporting

Labcorp Genetics (formerly Invitae), Labcorp
Classification: Likely benign. Last evaluated: 2018-06-26. Review status: criteria provided, single submitter. Criteria: Invitae Variant Classification Sherloc (09022015). Collection method: clinical testing. Allele origin: germline.